The following is an entry in ClinVar:

NM_001199107.2(TBC1D24):c.155G>A (p.Gly52Glu)

Gene: TBC1D24 (TBC1 domain family member 24; plus strand). Cytogenetic location: 16p13.3.
Variant type: single nucleotide variant.
Coding change: c.155G>A on transcript NM_001199107.2 (MANE Select); coding-DNA position 155, G replaced by A.
Protein change: p.Gly52Glu; replaces glycine 52 with glutamic acid.
Molecular consequence: missense variant.
Genome position (GRCh38, 1-based): chr16:2,496,303, G>A. VCF-style: chr16-2496303-G-A. GRCh37 (hg19) VCF-style: chr16-2546304-G-A.
Other names: c.155G>A, p.Gly52Glu (NM_020705.3); short protein forms G52E.
Identifiers: ClinVar variation 1415723 (VCV001415723.7), dbSNP rs755313242, ClinGen allele CA7843936.

ClinVar aggregate classification (germline): Uncertain significance. Review status: criteria provided, multiple submitters, no conflicts (2 of 4 stars). 2 submissions from 2 submitters: Uncertain significance (2). Last evaluated 2025-05-05.

Conditions:
Developmental and epileptic encephalopathy, 1 (DEE1). Also called: X-linked infantile spasms; West's syndrome; Tonic spasms with clustering, arrest of psychomotor development and hypsarrhythmia on EEG; X-Linked Infantile Spasm Syndrome; OHTAHARA SYNDROME, X-LINKED; INFANTILE SPASM SYNDROME, X-LINKED 1. Identifiers: MedGen C3463992, MONDO:0010632, OMIM 308350. Disease mechanism: loss of function.
Autosomal dominant nonsyndromic hearing loss 65. Also called: TBC1D24-Related Autosomal Dominant Nonsyndromic Hearing Loss (DFNA); Deafness, autosomal dominant 65. Identifiers: Orphanet 90635, MedGen C3892048, MONDO:0014470, OMIM 616044.

Allele frequency attached by ClinVar (database versions not stated): gnomAD exomes below 0.00001; ExAC 0.00001.
gnomAD v4.1: 3 of 1,613,704 alleles (0.00019%); highest among the groups gnomAD compares: South Asian, 0.0022%; no homozygotes.

Submissions (2):

Women's Health and Genetics/Laboratory Corporation of America, LabCorp
Classification: Uncertain significance. Last evaluated: 2025-05-05. Review status: criteria provided, single submitter. Criteria: LabCorp Variant Classification Summary - May 2015. Collection method: clinical testing. Allele origin: germline.
Comment: Variant summary: TBC1D24 c.155G>A (p.Gly52Glu) results in a non-conservative amino acid change in the encoded protein sequence. Algorithms developed to predict the effect of missense changes on protein structure and function are either unavailable or do not agree on the potential impact of this missense change. The variant allele was found at a frequency of 4e-06 in 248988 control chromosomes. The available data on variant occurrences in the general population are insufficient to allow any conclusion about variant significance. To our knowledge, no occurrence of c.155G>A in individuals affected with TBC1D24-Related Disorders and no experimental evidence demonstrating its impact on protein function have been reported. ClinVar contains an entry for this variant (Variation ID: 1415723). Based on the evidence outlined above, the variant was classified as uncertain significance.

Labcorp Genetics (formerly Invitae), Labcorp
Classification: Uncertain significance for Developmental and epileptic encephalopathy, 1; Autosomal dominant nonsyndromic hearing loss 65. Last evaluated: 2023-03-01. Review status: criteria provided, single submitter. Criteria: Invitae Variant Classification Sherloc (09022015). Collection method: clinical testing. Allele origin: germline.
Comment: In summary, the available evidence is currently insufficient to determine the role of this variant in disease. Therefore, it has been classified as a Variant of Uncertain Significance. Advanced modeling of protein sequence and biophysical properties (such as structural, functional, and spatial information, amino acid conservation, physicochemical variation, residue mobility, and thermodynamic stability) performed at Invitae indicates that this missense variant is not expected to disrupt TBC1D24 protein function. ClinVar contains an entry for this variant (Variation ID: 1415723). This variant has not been reported in the literature in individuals affected with TBC1D24-related conditions. This variant is present in population databases (rs755313242, gnomAD 0.003%). This sequence change replaces glycine, which is neutral and non-polar, with glutamic acid, which is acidic and polar, at codon 52 of the TBC1D24 protein (p.Gly52Glu).